The following is an entry in ClinVar:

NM_002755.4(MAP2K1):c.156C>G (p.Ala52=)

Gene: MAP2K1 (mitogen-activated protein kinase kinase 1; plus strand). Cytogenetic location: 15q22.31.
Variant type: single nucleotide variant.
Coding change: c.156C>G on transcript NM_002755.4 (MANE Select); coding-DNA position 156, C replaced by G.
Protein change: p.Ala52=; no amino-acid change (alanine 52 retained).
Molecular consequence: synonymous variant.
Genome position (GRCh38, 1-based): chr15:66,435,102, C>G. VCF-style: chr15-66435102-C-G. GRCh37 (hg19) VCF-style: chr15-66727440-C-G.
Identifiers: ClinVar variation 507455 (VCV000507455.25), dbSNP rs147489724, ClinGen allele CA490855926.

ClinVar aggregate classification (germline): Likely benign. Review status: criteria provided, multiple submitters, no conflicts (2 of 4 stars). 3 submissions from 3 submitters: Likely benign (3). Last evaluated 2024-07-01.

Conditions:
Cardiovascular phenotype. Identifiers: MedGen CN230736.

Submissions (3):

CeGaT Center for Human Genetics Tuebingen
Classification: Likely benign. Last evaluated: 2024-07-01. Review status: criteria provided, single submitter. Criteria: CeGaT Center For Human Genetics Tuebingen Variant Classification Criteria Version 2. Collection method: clinical testing. Allele origin: germline. Affected: yes. Observed: 2 variant alleles.
Comment: MAP2K1: PM2:Supporting, BP4, BP7

Ambry Genetics
Classification: Likely benign for Cardiovascular phenotype. Last evaluated: 2020-03-16. Review status: criteria provided, single submitter. Criteria: Ambry Variant Classification Scheme 2023. Collection method: clinical testing. Allele origin: germline.

GeneDx
Classification: Likely benign. Last evaluated: 2017-02-15. Review status: criteria provided, single submitter. Criteria: GeneDx Variant Classification (06012015). Collection method: clinical testing. Allele origin: germline. Affected: yes.
Comment: This variant is considered likely benign or benign based on one or more of the following criteria: it is a conservative change, it occurs at a poorly conserved position in the protein, it is predicted to be benign by multiple in silico algorithms, and/or has population frequency not consistent with disease.